The following is an entry in ClinVar:

ClinVar aggregate classification (germline): Likely benign (1 of 4 stars; one submission).

Allele frequency attached by ClinVar (database versions not stated): TOPMed below 0.00001; ExAC 0.00001; gnomAD 0.00001; gnomAD exomes 0.00001; 1000 Genomes Project 0.00020; 1000 Genomes Project 30x 0.00031.
gnomAD v4.1: 17 of 1,613,940 alleles (0.0011%); highest among the groups gnomAD compares: South Asian, 0.0033%; no homozygotes.

Submission:

CeGaT Center for Human Genetics Tuebingen
Classification: Likely benign. Last evaluated: 2022-06-01. Review status: criteria provided, single submitter. Criteria: CeGaT Center For Human Genetics Tuebingen Variant Classification Criteria Version 2. Collection method: clinical testing. Allele origin: germline. Affected: yes. Observed: 1 variant allele.
Comment: GCM1: BP4

NM_003643.4(GCM1):c.1155A>G (p.Gln385=)

Gene: GCM1 (GCM transcription factor 1; minus strand). Cytogenetic location: 6p12.1.
Variant type: single nucleotide variant.
Coding change: c.1155A>G on transcript NM_003643.4 (MANE Select); coding-DNA position 1155, A replaced by G.
Protein change: p.Gln385=; no amino-acid change (glutamine 385 retained).
Molecular consequence: synonymous variant.
Genome position (GRCh38, 1-based): chr6:53,128,362, T>C on the plus strand (A>G on the coding strand, the complement: GCM1 is on the minus strand). VCF-style: chr6-53128362-T-C. GRCh37 (hg19) VCF-style: chr6-52993160-T-C.
Identifiers: ClinVar variation 2656645 (VCV002656645.24), dbSNP rs565567636, ClinGen allele CA3859317.